The following is an entry in ClinVar:

ClinVar aggregate classification (germline): Uncertain significance (1 of 4 stars; one submission).

Submission:

Labcorp Genetics (formerly Invitae), Labcorp
Classification: Uncertain significance. Last evaluated: 2022-11-08. Review status: criteria provided, single submitter. Criteria: Invitae Variant Classification Sherloc (09022015). Collection method: clinical testing. Allele origin: germline.
Comment: In summary, the available evidence is currently insufficient to determine the role of this variant in disease. Therefore, it has been classified as a Variant of Uncertain Significance. Advanced modeling of protein sequence and biophysical properties (such as structural, functional, and spatial information, amino acid conservation, physicochemical variation, residue mobility, and thermodynamic stability) performed at Invitae indicates that this missense variant is not expected to disrupt LPIN1 protein function. This variant has not been reported in the literature in individuals affected with LPIN1-related conditions. This variant is not present in population databases (gnomAD no frequency). This sequence change replaces threonine, which is neutral and polar, with isoleucine, which is neutral and non-polar, at codon 350 of the LPIN1 protein (p.Thr350Ile).

NM_001349206.2(LPIN1):c.1157C>T (p.Thr386Ile)

Gene: LPIN1 (lipin 1; plus strand). Cytogenetic location: 2p25.1.
Variant type: single nucleotide variant.
Coding change: c.1157C>T on transcript NM_001349206.2 (MANE Select); coding-DNA position 1157, C replaced by T.
Protein change: p.Thr386Ile; replaces threonine 386 with isoleucine.
Molecular consequence: missense variant. On other transcripts: non-coding transcript variant (1).
Genome position (GRCh38, 1-based): chr2:11,782,400, C>T. VCF-style: chr2-11782400-C-T. GRCh37 (hg19) VCF-style: chr2-11922526-C-T.
Other names: c.1067C>T, p.Thr356Ile (NM_001261427.3); c.1304C>T, p.Thr435Ile (NM_001261428.3); c.1049C>T, p.Thr350Ile (NM_001349199.2, NM_001349200.2, NM_001349201.2 and 1 more transcripts); c.1154C>T, p.Thr385Ile (NM_001349202.2, NM_001349203.2); c.1157C>T, p.Thr386Ile (NM_001349204.2, NM_001349205.2); c.1247C>T, p.Thr416Ile (NM_001349207.2); c.1196C>T, p.Thr399Ile (NM_001349208.2); short protein forms T350I, T356I, T385I, T386I, T399I, T416I, T435I.
Identifiers: ClinVar variation 2418286 (VCV002418286.6), dbSNP rs752802651, ClinGen allele CA345856684.